The following is an entry in ClinVar:

NM_001148.6(ANK2):c.5495C>T (p.Thr1832Ile)

Genes: ANK2 (ankyrin 2; plus strand), LOC126807136 (MED14-independent group 3 enhancer GRCh37_chr4:114274931-114276130; plus strand). Cytogenetic location: 4q26.
Variant type: single nucleotide variant.
Coding change: c.5495C>T on transcript NM_001148.6 (MANE Select); coding-DNA position 5495, C replaced by T.
Protein change: p.Thr1832Ile; replaces threonine 1832 with isoleucine.
Molecular consequence: missense variant. On other transcripts: intron variant (68).
Genome position (GRCh38, 1-based): chr4:113,354,113, C>T. VCF-style: chr4-113354113-C-T. GRCh37 (hg19) VCF-style: chr4-114275269-C-T.
Other names: p.Thr1832Ile; c.5261C>T, p.Thr1754Ile (NM_001386142.1); c.1895C>T, p.Thr632Ile (NM_001386166.1); c.5636C>T, p.Thr1879Ile (NM_001386174.1); c.5612C>T, p.Thr1871Ile (NM_001386175.1); c.4411+3864C>T (NM_001386186.2, NM_001386148.2); c.4213+3864C>T (NM_001354269.3); c.4291+3864C>T (NM_001386187.2); and 37 more; short protein forms T1832I, T1754I, T1871I, T1879I, T632I.
Identifiers: ClinVar variation 526991 (VCV000526991.24), dbSNP rs144773694, ClinGen allele CA3051243.

ClinVar aggregate classification (germline): Conflicting classifications of pathogenicity. Review status: criteria provided, conflicting classifications (1 of 4 stars). 4 submissions from 4 submitters: Uncertain significance (3); Likely benign (1). Last evaluated 2025-09-21.

Conditions:
Cardiovascular phenotype. Identifiers: MedGen CN230736.
Long QT syndrome (LQTS). Identifiers: MedGen C0023976, MeSH D008133, MONDO:0002442. Disease mechanism: loss of function. Inheritance: Various modes of inheritance.

Allele frequency attached by ClinVar (database versions not stated): ExAC 0.00002; gnomAD exomes 0.00002; gnomAD 0.00003; TOPMed 0.00006; ESP Exome Variant Server 0.00023.
gnomAD v4.1: 33 of 1,614,042 alleles (0.002%); highest among the groups gnomAD compares: Non-Finnish European, 0.0028%; no homozygotes.

Submissions (4):

Ambry Genetics
Classification: Uncertain significance for Cardiovascular phenotype. Last evaluated: 2025-09-21. Review status: criteria provided, single submitter. Criteria: Ambry Variant Classification Scheme 2023. Collection method: clinical testing. Allele origin: germline.

Labcorp Genetics (formerly Invitae), Labcorp
Classification: Uncertain significance for Long QT syndrome. Last evaluated: 2024-03-05. Review status: criteria provided, single submitter. Criteria: Invitae Variant Classification Sherloc (09022015). Collection method: clinical testing. Allele origin: germline.
Comment: This sequence change replaces threonine, which is neutral and polar, with isoleucine, which is neutral and non-polar, at codon 1832 of the ANK2 protein (p.Thr1832Ile). This variant is present in population databases (rs144773694, gnomAD 0.005%). This variant has not been reported in the literature in individuals affected with ANK2-related conditions. ClinVar contains an entry for this variant (Variation ID: 526991). An algorithm developed to predict the effect of missense changes on protein structure and function (PolyPhen-2) suggests that this variant is likely to be tolerated. In summary, the available evidence is currently insufficient to determine the role of this variant in disease. Therefore, it has been classified as a Variant of Uncertain Significance.

Blueprint Genetics
Classification: Likely benign. Last evaluated: 2023-04-03. Review status: criteria provided, single submitter. Criteria: ACMG Guidelines, 2015. Collection method: clinical testing. Allele origin: germline.

Mayo Clinic Laboratories, Mayo Clinic
Classification: Uncertain significance. Last evaluated: 2022-07-12. Review status: criteria provided, single submitter. Criteria: ACMG Guidelines, 2015. Collection method: clinical testing. Allele origin: germline. Observed: 1 variant allele.
Comment: BP4